The following is an entry in ClinVar:

NM_001005273.3(CHD3):c.4129C>T (p.Arg1377Cys)

Gene: CHD3 (chromodomain helicase DNA binding protein 3; plus strand). Cytogenetic location: 17p13.1.
Variant type: single nucleotide variant.
Coding change: c.4129C>T on transcript NM_001005273.3 (MANE Select); coding-DNA position 4129, C replaced by T.
Protein change: p.Arg1377Cys; replaces arginine 1377 with cysteine.
Molecular consequence: missense variant.
Genome position (GRCh38, 1-based): chr17:7,905,156, C>T. VCF-style: chr17-7905156-C-T. GRCh37 (hg19) VCF-style: chr17-7808474-C-T.
Other names: c.4306C>T, p.Arg1436Cys (NM_001005271.3); c.4129C>T, p.Arg1377Cys (NM_005852.4); c.4306C>T (NM_001005271.2); short protein forms R1377C, R1436C.
Identifiers: ClinVar variation 2138036 (VCV002138036.6), dbSNP rs993747779, ClinGen allele CA287496525.
Genomic context (GRCh38, chr17:7,905,156, plus strand): 5'-ACAGACAACCAGTCAGAGTACTCGGTGGGTTCAGAGGAGGAGGATGAAGACTTCGATGAA[C>T]GTCCTGAAGGTGGCATCTGTGTTCCTGACTCTACCTCACCTCTTCCCGTTTTATTTTCCA-3'
Protein context (NP_001005273.1, residues 1367-1387): SEEEDEDFDE[Arg1377Cys]PEGRRQSKRQ

ClinVar aggregate classification (germline): Uncertain significance. Review status: criteria provided, multiple submitters, no conflicts (2 of 4 stars). 2 submissions from 2 submitters: Uncertain significance (2). Last evaluated 2026-08-03.

Conditions:
Inborn genetic diseases. Identifiers: MedGen C0950123, MeSH D030342.

Allele frequency attached by ClinVar (database versions not stated): TOPMed 0.00003; gnomAD exomes 0.00001; gnomAD 0.00003.
gnomAD v4.1: 11 of 1,613,990 alleles (0.00068%); highest among the groups gnomAD compares: African/African-American, 0.004%; no homozygotes.

Submissions (2):

Ambry Genetics
Classification: Uncertain significance for Inborn genetic diseases. Last evaluated: 2026-08-03. Review status: criteria provided, single submitter. Criteria: Ambry Variant Classification Scheme 2023. Collection method: clinical testing. Allele origin: germline.
Comment: The c.4306C>T (p.R1436C) alteration is located in exon 26 (coding exon 26) of the CHD3 gene. This alteration results from a C to T substitution at nucleotide position 4306, causing the arginine (R) at amino acid position 1436 to be replaced by a cysteine (C). Based on data from gnomAD, the T allele has an overall frequency of <0.001% (1/251488) total alleles studied. The highest observed frequency was 0.003% (1/34588) of Latino alleles. Based on insufficient or conflicting evidence, the clinical significance of this alteration remains unclear.

Labcorp Genetics (formerly Invitae), Labcorp
Classification: Uncertain significance. Last evaluated: 2022-02-11. Review status: criteria provided, single submitter. Criteria: Invitae Variant Classification Sherloc (09022015). Collection method: clinical testing. Allele origin: germline.
Comment: In summary, the available evidence is currently insufficient to determine the role of this variant in disease. Therefore, it has been classified as a Variant of Uncertain Significance. Algorithms developed to predict the effect of missense changes on protein structure and function (SIFT, PolyPhen-2, Align-GVGD) all suggest that this variant is likely to be disruptive. This variant has not been reported in the literature in individuals affected with CHD3-related conditions. This variant is present in population databases (no rsID available, gnomAD 0.003%). This sequence change replaces arginine, which is basic and polar, with cysteine, which is neutral and slightly polar, at codon 1436 of the CHD3 protein (p.Arg1436Cys).